The following is an entry in ClinVar:

ClinVar aggregate classification (germline): Uncertain significance (1 of 4 stars; one submission).

Submission:

Labcorp Genetics (formerly Invitae), Labcorp
Classification: Uncertain significance. Last evaluated: 2023-11-27. Review status: criteria provided, single submitter. Criteria: Invitae Variant Classification Sherloc (09022015). Collection method: clinical testing. Allele origin: germline.
Comment: This sequence change affects the initiator methionine of the EXTL3 mRNA. The next in-frame methionine is located at codon 6. This variant is not present in population databases (gnomAD no frequency). This variant has not been reported in the literature in individuals affected with EXTL3-related conditions. Experimental studies and prediction algorithms are not available or were not evaluated, and the functional significance of this variant is currently unknown. In summary, the available evidence is currently insufficient to determine the role of this variant in disease. Therefore, it has been classified as a Variant of Uncertain Significance.

NM_001440.4(EXTL3):c.2T>C (p.Met1Thr)

Gene: EXTL3 (exostosin like glycosyltransferase 3; plus strand). Cytogenetic location: 8p21.1.
Variant type: single nucleotide variant.
Coding change: c.2T>C on transcript NM_001440.4 (MANE Select); coding-DNA position 2, T replaced by C.
Protein change: p.Met1Thr; changes the start codon (methionine 1).
Molecular consequence: missense variant, initiator codon variant. On other transcripts: non-coding transcript variant (1).
Genome position (GRCh38, 1-based): chr8:28,716,061, T>C. VCF-style: chr8-28716061-T-C. GRCh37 (hg19) VCF-style: chr8-28573578-T-C.
Other names: short protein forms M1T.
Identifiers: ClinVar variation 2789191 (VCV002789191.1), dbSNP rs565833748, ClinGen allele CA174385151.